The following is an entry in ClinVar:

NM_014423.4(AFF4):c.411C>T (p.Ser137=)

Gene: AFF4 (ALF transcription elongation factor 4; minus strand). Cytogenetic location: 5q31.1.
Variant type: single nucleotide variant.
Coding change: c.411C>T on transcript NM_014423.4 (MANE Select); coding-DNA position 411, C replaced by T.
Protein change: p.Ser137=; no amino-acid change (serine 137 retained).
Molecular consequence: synonymous variant.
Genome position (GRCh38, 1-based): chr5:132,934,654, G>A on the plus strand (C>T on the coding strand, the complement: AFF4 is on the minus strand). VCF-style: chr5-132934654-G-A. GRCh37 (hg19) VCF-style: chr5-132270346-G-A.
Other names: c.411C>T (NM_014423.3).
Identifiers: ClinVar variation 1648843 (VCV001648843.10), dbSNP rs776471901, ClinGen allele CA127295406.

ClinVar aggregate classification (germline): Likely benign. Review status: criteria provided, single submitter (1 of 4 stars). 2 submissions from 2 submitters: Likely benign (1). 1 of the submissions does not count toward it. Last evaluated 2025-07-02.

Conditions:
AFF4-related disorder. Also called: AFF4-related condition.
Cognitive impairment - coarse facies - heart defects - obesity - pulmonary involvement - short stature - skeletal dysplasia syndrome. Also called: AFF4-Related CHOPS Syndrome; COGNITIVE IMPAIRMENT, COARSE FACIES, HEART DEFECTS, OBESITY, PULMONARY INVOLVEMENT, SHORT STATURE, AND SKELETAL DYSPLASIA; Chops syndrome. Identifiers: Orphanet 444077, MedGen C4085597, MONDO:0014609, OMIM 616368.

Allele frequency attached by ClinVar (database versions not stated): gnomAD exomes 0.00002 and 0.00001; gnomAD 0.00004 and 0.00005; TOPMed 0.00007.
gnomAD v4.1: 34 of 1,613,940 alleles (0.0021%); highest among the groups gnomAD compares: Middle Eastern, 0.033%; no homozygotes.

Submissions (2):

Labcorp Genetics (formerly Invitae), Labcorp
Classification: Likely benign for Cognitive impairment - coarse facies - heart defects - obesity - pulmonary involvement - short stature - skeletal dysplasia syndrome. Last evaluated: 2025-07-02. Review status: criteria provided, single submitter. Criteria: Invitae Variant Classification Sherloc (09022015). Collection method: clinical testing. Allele origin: germline.

PreventionGenetics, part of Exact Sciences
Classification: Likely benign for AFF4-related condition. Last evaluated: 2021-06-24. Review status: no assertion criteria provided. Collection method: clinical testing. Allele origin: germline. Not counted in ClinVar's aggregate classification.
Comment: This variant is classified as likely benign based on ACMG/AMP sequence variant interpretation guidelines (Richards et al. 2015 PMID: 25741868, with internal and published modifications).